The following is an entry in ClinVar:

NM_005359.6(SMAD4):c.172A>G (p.Ile58Val)

Gene: SMAD4 (SMAD family member 4; plus strand). Cytogenetic location: 18q21.2.
Variant type: single nucleotide variant.
Coding change: c.172A>G on transcript NM_005359.6 (MANE Select); coding-DNA position 172, A replaced by G.
Protein change: p.Ile58Val; replaces isoleucine 58 with valine.
Molecular consequence: missense variant.
Genome position (GRCh38, 1-based): chr18:51,047,218, A>G. VCF-style: chr18-51047218-A-G. GRCh37 (hg19) VCF-style: chr18-48573588-A-G.
Other names: short protein forms I58V.
Identifiers: ClinVar variation 188234 (VCV000188234.30), dbSNP rs786204166, ClinGen allele CA334393.

ClinVar aggregate classification (germline): Conflicting classifications of pathogenicity. Review status: criteria provided, conflicting classifications (1 of 4 stars). 11 submissions from 11 submitters: Uncertain significance (9); Likely benign (1). 1 of the submissions does not count toward it. Last evaluated 2026-02-11.

Conditions:
SMAD4-related disorder. Also called: SMAD4-related condition; SMAD4-Related disorders.
Juvenile polyposis syndrome (JPS). Identifiers: Orphanet 2929, MedGen C0345893, MONDO:0017380, OMIM 174900.
Myhre syndrome (MYHRS). Also called: LARYNGOTRACHEAL STENOSIS, ARTHROPATHY, PROGNATHISM, AND SHORT STATURE; LAPS SYNDROME. Identifiers: Orphanet 2588, MedGen C0796081, MONDO:0007688, OMIM 139210.
Juvenile polyposis/hereditary hemorrhagic telangiectasia syndrome (JPHT). Also called: Juvenile Polyposis Syndrome / Hereditary Hemorrhagic Telangiectasia (JPS/HHT); TELANGIECTASIA, HEREDITARY HEMORRHAGIC, WITH JUVENILE POLYPOSIS COLI; JP/HHT SYNDROME; JUVENILE POLYPOSIS WITH HEREDITARY HEMORRHAGIC TELANGIECTASIA; POLYPOSIS, GENERALIZED JUVENILE, WITH PULMONARY ARTERIOVENOUS MALFORMATION. Identifiers: Orphanet 2929, MedGen C1832942, MONDO:0008278, OMIM 175050.
Carcinoma of pancreas. Also called: Pancreatic cancer, somatic; Pancreatic carcinoma, somatic; PANCREATIC ACINAR CARCINOMA; PANCREATIC CARCINOMA; Exocrine pancreatic carcinoma. Identifiers: Orphanet 1333, Orphanet 217074, MedGen C0235974, MONDO:0005192. Disease mechanism: loss of function.
Familial thoracic aortic aneurysm and aortic dissection (TAAD). Also called: Thoracic aortic aneurysms and dissections. Identifiers: Orphanet 91387, MedGen C4707243, MONDO:0019625.
Hereditary cancer-predisposing syndrome. Also called: Neoplastic Syndromes, Hereditary; Tumor predisposition; Hereditary neoplastic syndrome; Hereditary Cancer Syndrome. Identifiers: Orphanet 140162, MedGen C0027672, MeSH D009386, MONDO:0015356.

Allele frequency attached by ClinVar (database versions not stated): gnomAD exomes below 0.00001.
gnomAD v4.1: 2 of 1,613,488 alleles (0.00012%); highest among the groups gnomAD compares: Non-Finnish European, 0.00017%; no homozygotes.

Submissions (11):

St. Jude Molecular Pathology, St. Jude Children's Research Hospital
Classification: Uncertain significance for Juvenile polyposis syndrome. Last evaluated: 2026-02-11. Review status: criteria provided, single submitter. Criteria: St. Jude Assertion Criteria 2020. Collection method: clinical testing. Allele origin: germline.
Comment: The SMAD4 c.172A>G p.(Ile58Val) missense change is absent in gnomAD v2.1.1. The in silico tool REVEL is inconclusive about a pathogenic or benign effect of this variant on protein function, and to our knowledge functional studies have not been performed. To our knowledge, this variant has not been reported in individuals with juvenile polyposis syndrome. In summary, the evidence currently available is insufficient to determine the clinical significance of this variant. It has therefore been classified as of uncertain significance.

Labcorp Genetics (formerly Invitae), Labcorp
Classification: Likely benign for Juvenile polyposis syndrome. Last evaluated: 2026-01-18. Review status: criteria provided, single submitter. Criteria: Invitae Variant Classification Sherloc (09022015). Collection method: clinical testing. Allele origin: germline.

Ambry Genetics
Classification: Uncertain significance for Hereditary cancer-predisposing syndrome; Familial thoracic aortic aneurysm and aortic dissection. Last evaluated: 2025-08-23. Review status: criteria provided, single submitter. Criteria: Ambry Variant Classification Scheme 2023. Collection method: clinical testing. Allele origin: germline.
Comment: The p.I58V variant (also known as c.172A>G), located in coding exon 1 of the SMAD4 gene, results from an A to G substitution at nucleotide position 172. The isoleucine at codon 58 is replaced by valine, an amino acid with highly similar properties. This variant was reported in 1/1781 individuals who were referred for BRCA1/2 gene testing and underwent multigene panel testing (Tung N et al. Cancer. 2015 Jan;121:25-33). This amino acid position is highly conserved in available vertebrate species. In addition, the in silico prediction for this alteration is inconclusive. Since supporting evidence is limited at this time, the clinical significance of this alteration remains unclear.

PreventionGenetics, part of Exact Sciences
Classification: Uncertain significance for SMAD4-related condition. Last evaluated: 2025-01-10. Review status: criteria provided, single submitter. Criteria: ACMG Guidelines, 2015. Collection method: clinical testing. Allele origin: germline.
Comment: The SMAD4 c.172A>G variant is predicted to result in the amino acid substitution p.Ile58Val. This variant was reported in an individual with breast cancer (Tung et al. 2014. PubMed ID: 25186627). This variant has not been reported in a large population database (gnomAD), indicating this variant is rare. This variant is classified as having uncertain clinical significance in ClinVar. At this time, the clinical significance of this variant is uncertain due to the absence of conclusive functional and genetic evidence.

Quest Diagnostics Nichols Institute San Juan Capistrano
Classification: Uncertain significance. Last evaluated: 2023-07-26. Review status: criteria provided, single submitter. Criteria: Quest Diagnostics criteria. Collection method: clinical testing. Allele origin: unknown.
Comment: In the published literature, this variant has not been reported in individuals with SMAD4-related disease. However, this variant has been reported in an individual with breast cancer (PMID: 25186627 (2015)). It has not been reported in large, multi-ethnic general populations. Analysis of this variant using bioinformatics tools for the prediction of the effect of amino acid changes on protein structure and function yielded conflicting predictions that this variant is benign or damaging. Based on the available information, we are unable to determine the clinical significance of this variant.

Myriad Genetics, Inc.
Classification: Uncertain significance for Juvenile polyposis/hereditary hemorrhagic telangiectasia syndrome. Last evaluated: 2023-04-10. Review status: criteria provided, single submitter. Criteria: Myriad Autosomal Dominant, Autosomal Recessive and X-Linked Classification Criteria (2023). Collection method: clinical testing. Allele origin: unknown.
Comment: This variant is classified as a variant of uncertain significance as there is insufficient evidence to determine its impact on protein function and/or cancer risk.

GeneDx
Classification: Uncertain significance. Last evaluated: 2022-09-26. Review status: criteria provided, single submitter. Criteria: GeneDx Variant Classification Process June 2021. Collection method: clinical testing. Allele origin: germline. Affected: yes.
Comment: Not observed at significant frequency in large population cohorts (gnomAD); In silico analysis supports that this missense variant does not alter protein structure/function; Observed in individuals with breast cancer (Tung et al., 2015); This variant is associated with the following publications: (PMID: 25186627, 18823382, 22992590, 15235019)

Fulgent Genetics
Classification: Uncertain significance for Myhre syndrome; Juvenile polyposis syndrome; Juvenile polyposis/hereditary hemorrhagic telangiectasia syndrome; Familial pancreatic carcinoma. Last evaluated: 2021-08-16. Review status: criteria provided, single submitter. Criteria: ACMG Guidelines, 2015. Collection method: clinical testing. Allele origin: unknown.

Color Diagnostics, LLC DBA Color Health
Classification: Uncertain significance for Hereditary cancer-predisposing syndrome. Last evaluated: 2021-03-22. Review status: criteria provided, single submitter. Criteria: ACMG Guidelines, 2015. Collection method: clinical testing. Allele origin: germline.
Comment: This missense variant replaces isoleucine with valine at codon 58 of the SMAD4 protein. Computational prediction is inconclusive regarding the impact of this variant on protein structure and function (internally defined REVEL score threshold 0.5 < inconclusive < 0.7, PMID: 27666373). To our knowledge, functional studies have not been reported for this variant. This variant has been reported in an individual affected with breast cancer in the literature (PMID: 25186627). This variant has not been identified in the general population by the Genome Aggregation Database (gnomAD). The available evidence is insufficient to determine the role of this variant in disease conclusively. Therefore, this variant is classified as a Variant of Uncertain Significance.

Genetic Services Laboratory, University of Chicago
Classification: Uncertain significance. Last evaluated: 2019-07-17. Review status: criteria provided, single submitter. Criteria: ACMG Guidelines, 2015. Collection method: clinical testing. Allele origin: germline. Affected: no.

Counsyl
Classification: Uncertain significance for Juvenile polyposis syndrome. Last evaluated: 2017-11-10. Review status: no assertion criteria provided. Collection method: clinical testing. Allele origin: unknown. Not counted in ClinVar's aggregate classification.

Literature cited by the submitters: PubMed 25186627 (cited by 3 submitters).